The following is an entry in ClinVar:

ClinVar aggregate classification (germline): Uncertain significance (0 of 4 stars; one submission).

Conditions:
CNTNAP5-related disorder. Also called: CNTNAP5-related condition.

Submission:

PreventionGenetics, part of Exact Sciences
Classification: Uncertain significance for CNTNAP5-related condition. Last evaluated: 2024-03-22. Review status: no assertion criteria provided. Collection method: clinical testing. Allele origin: germline.
Comment: The CNTNAP5 c.3670_3683dup14 variant is predicted to result in a frameshift and premature protein termination (p.Leu1229Metfs*20). To our knowledge, this variant has not been reported in the literature or in a large population database, indicating this variant is rare. At this time, the clinical significance of this variant is uncertain due to the absence of conclusive functional and genetic evidence.

NM_001367498.1(CNTNAP5):c.3673_3686dup (p.Leu1230fs)

Gene: CNTNAP5 (contactin associated protein family member 5; plus strand). Cytogenetic location: 2q14.3.
Variant type: Duplication.
Coding change: c.3673_3686dup on transcript NM_001367498.1 (MANE Select); coding-DNA positions 3673 to 3686, 14 bases duplicated (GATGAGCGGGAACC).
Protein change: p.Leu1230fs; shifts the reading frame from leucine 1230.
Molecular consequence: frameshift variant.
Genome position (GRCh38, 1-based): chr2:124,911,484-124,911,497, GATGAGCGGGAACC duplicated. VCF-style (leftmost placement, unchanged base first): chr2-124911483-A-AGATGAGCGGGAACC. GRCh37 (hg19) VCF-style: chr2-125669060-A-AGATGAGCGGGAACC.
Other names: c.3670_3683dup, p.Leu1229fs (NM_130773.4); short protein forms L1229fs, L1230fs.
Identifiers: ClinVar variation 3357962 (VCV003357962.1).
Genomic context (GRCh38, chr2:124,911,483, plus strand): 5'-GCTTTGAGTGAGAAGTAAAGTCCCATGTCTTTTACTCCTTTCAGATCCTTTTGGGAAGAC[A>AGATGAGCGGGAACC]GATGAGCGGGAACCACTCACAAATGCTGTTCGAAGTGATTCGGCAGTCATCGGAGGTAAA-3'